The following is an entry in ClinVar:

NM_001018005.2(TPM1):c.269G>A (p.Arg90Lys)

Gene: TPM1 (tropomyosin 1; plus strand). Cytogenetic location: 15q22.2.
Variant type: single nucleotide variant.
Coding change: c.269G>A on transcript NM_001018005.2 (MANE Select); coding-DNA position 269, G replaced by A.
Protein change: p.Arg90Lys; replaces arginine 90 with lysine.
Molecular consequence: missense variant.
Genome position (GRCh38, 1-based): chr15:63,057,013, G>A. VCF-style: chr15-63057013-G-A. GRCh37 (hg19) VCF-style: chr15-63349212-G-A.
Other names: c.269G>A, p.Arg90Lys (NM_000366.6, NM_001018004.2, NM_001018006.2 and 6 more transcripts); c.161G>A, p.Arg54Lys (NM_001018008.2, NM_001301289.2, NM_001330344.2 and 5 more transcripts); c.395G>A, p.Arg132Lys (NM_001365778.1); short protein forms R132K, R54K, R90K.
Identifiers: ClinVar variation 642129 (VCV000642129.8), dbSNP rs1596360823, ClinGen allele CA392720691.

ClinVar aggregate classification (germline): Uncertain significance (1 of 4 stars; one submission).

Conditions:
Hypertrophic cardiomyopathy. Also called: HYPERTROPHIC MYOCARDIOPATHY. Identifiers: Orphanet 217569, MedGen C0007194, MeSH D002312, MONDO:0005045, HP:0001639.

Submission:

Labcorp Genetics (formerly Invitae), Labcorp
Classification: Uncertain significance for Hypertrophic cardiomyopathy. Last evaluated: 2020-11-10. Review status: criteria provided, single submitter. Criteria: Invitae Variant Classification Sherloc (09022015). Collection method: clinical testing. Allele origin: germline.
Comment: This variant is not present in population databases (ExAC no frequency). In summary, the available evidence is currently insufficient to determine the role of this variant in disease. Therefore, it has been classified as a Variant of Uncertain Significance. Algorithms developed to predict the effect of missense changes on protein structure and function are either unavailable or do not agree on the potential impact of this missense change (SIFT: "Tolerated"; PolyPhen-2: "Probably Damaging"; Align-GVGD: "Class C0"). This variant has not been reported in the literature in individuals with TPM1-related conditions. This sequence change replaces arginine with lysine at codon 90 of the TPM1 protein (p.Arg90Lys). The arginine residue is highly conserved and there is a small physicochemical difference between arginine and lysine.